The following is an entry in ClinVar:

NM_004336.5(BUB1):c.844A>G (p.Asn282Asp)

Gene: BUB1 (BUB1 mitotic checkpoint serine/threonine kinase; minus strand). Cytogenetic location: 2q13.
Variant type: single nucleotide variant.
Coding change: c.844A>G on transcript NM_004336.5 (MANE Select); coding-DNA position 844, A replaced by G.
Protein change: p.Asn282Asp; replaces asparagine 282 with aspartic acid.
Molecular consequence: missense variant.
Genome position (GRCh38, 1-based): chr2:110,666,376, T>C on the plus strand (A>G on the coding strand, the complement: BUB1 is on the minus strand). VCF-style: chr2-110666376-T-C. GRCh37 (hg19) VCF-style: chr2-111423953-T-C.
Other names: c.784A>G, p.Asn262Asp (NM_001278616.2); c.844A>G, p.Asn282Asp (NM_001278617.2); short protein forms N262D, N282D.
Identifiers: ClinVar variation 2451220 (VCV002451220.2), dbSNP rs2468026043, ClinGen allele CA348216840.

ClinVar aggregate classification (germline): Uncertain significance (1 of 4 stars; one submission).

Submission:

Ambry Genetics
Classification: Uncertain significance. Last evaluated: 2022-11-05. Review status: criteria provided, single submitter. Criteria: Ambry Variant Classification Scheme 2023. Collection method: clinical testing. Allele origin: germline.
Comment: The p.N282D variant (also known as c.844A>G), located in coding exon 9 of the BUB1 gene, results from an A to G substitution at nucleotide position 844. The asparagine at codon 282 is replaced by aspartic acid, an amino acid with highly similar properties. This amino acid position is conserved. In addition, this alteration is predicted to be tolerated by in silico analysis. Since supporting evidence is limited at this time, the clinical significance of this alteration remains unclear.